The following is an entry in ClinVar:

ClinVar aggregate classification (germline): Uncertain significance (1 of 4 stars; one submission).

Conditions:
Walker-Warburg congenital muscular dystrophy. Also called: Muscular dystrophy-dystroglycanopathy, type A; Walker-Warburg syndrome. Identifiers: Orphanet 899, MedGen C0265221, MONDO:0000171.

Allele frequency attached by ClinVar (database versions not stated): TOPMed below 0.00001; gnomAD 0.00001.
gnomAD v4.1: 1 of 1,609,346 alleles (0.000062%); highest among the groups gnomAD compares: Non-Finnish European, 0.000085%; no homozygotes.

Submission:

Labcorp Genetics (formerly Invitae), Labcorp
Classification: Uncertain significance for Walker-Warburg congenital muscular dystrophy. Last evaluated: 2020-09-10. Review status: criteria provided, single submitter. Criteria: Invitae Variant Classification Sherloc (09022015). Collection method: clinical testing. Allele origin: germline.
Comment: This sequence change replaces phenylalanine with leucine at codon 390 of the FKTN protein (p.Phe390Leu). The phenylalanine residue is highly conserved and there is a small physicochemical difference between phenylalanine and leucine. This variant is not present in population databases (ExAC no frequency). This variant has not been reported in the literature in individuals with FKTN-related conditions. Algorithms developed to predict the effect of missense changes on protein structure and function are either unavailable or do not agree on the potential impact of this missense change (SIFT: "Deleterious"; PolyPhen-2: "Benign"; Align-GVGD: "Class C0"). In summary, the available evidence is currently insufficient to determine the role of this variant in disease. Therefore, it has been classified as a Variant of Uncertain Significance.

NM_001079802.2(FKTN):c.1170C>A (p.Phe390Leu)

Gene: FKTN (fukutin; plus strand). Cytogenetic location: 9q31.2.
Variant type: single nucleotide variant.
Coding change: c.1170C>A on transcript NM_001079802.2 (MANE Select); coding-DNA position 1170, C replaced by A.
Protein change: p.Phe390Leu; replaces phenylalanine 390 with leucine.
Molecular consequence: missense variant. On other transcripts: non-coding transcript variant (2).
Genome position (GRCh38, 1-based): chr9:105,620,059, C>A. VCF-style: chr9-105620059-C-A. GRCh37 (hg19) VCF-style: chr9-108382340-C-A.
Other names: c.1170C>A, p.Phe390Leu (NM_001198963.2, NM_001351496.2, NM_001351498.2 and 1 more transcripts); c.1101C>A, p.Phe367Leu (NM_001351497.2); c.774C>A, p.Phe258Leu (NM_001351499.2, NM_001351500.2, NM_001351501.2 and 1 more transcripts); short protein forms F258L, F390L, F367L.
Identifiers: ClinVar variation 1037310 (VCV001037310.8), dbSNP rs1831570423, ClinGen allele CA374377982.